The following is an entry in ClinVar:

ClinVar aggregate classification (germline): Likely pathogenic (1 of 4 stars; one submission).

Submission:

GeneDx
Classification: Likely pathogenic. Last evaluated: 2024-02-23. Review status: criteria provided, single submitter. Criteria: GeneDx Variant Classification Process June 2021. Collection method: clinical testing. Allele origin: germline. Affected: yes.
Comment: Not observed at significant frequency in large population cohorts (gnomAD); In silico analysis supports that this missense variant has a deleterious effect on protein structure/function; This variant is associated with the following publications: (PMID: 33547006)

NM_000474.4(TWIST1):c.329G>A (p.Arg110Gln)

Gene: TWIST1 (twist family bHLH transcription factor 1; minus strand). Cytogenetic location: 7p21.1.
Variant type: single nucleotide variant.
Coding change: c.329G>A on transcript NM_000474.4 (MANE Select); coding-DNA position 329, G replaced by A.
Protein change: p.Arg110Gln; replaces arginine 110 with glutamine.
Molecular consequence: missense variant. On other transcripts: non-coding transcript variant (1).
Genome position (GRCh38, 1-based): chr7:19,116,993, C>T on the plus strand (G>A on the coding strand, the complement: TWIST1 is on the minus strand). VCF-style: chr7-19116993-C-T. GRCh37 (hg19) VCF-style: chr7-19156616-C-T.
Other names: short protein forms R110Q.
Identifiers: ClinVar variation 3343959 (VCV003343959.1).